The following is an entry in ClinVar:

ClinVar aggregate classification (germline): Benign (1 of 4 stars; one submission).

Submission:

Unidad de Genómica Garrahan, Hospital de Pediatría Garrahan
Classification: Benign. Last evaluated: 2023-11-12. Review status: criteria provided, single submitter. Criteria: ACMG Guidelines, 2015. Collection method: clinical testing. Allele origin: germline. Affected: no. Observed: 24 variant alleles.
Comment: This variant is classified as Benign based on local population frequency. This variant was detected in 25% of patients studied by a panel of primary immunodeficiencies. Number of patients: 24. Only high quality variants are reported.

NM_006949.4(STXBP2):c.246+52_246+59dup

Gene: STXBP2 (syntaxin binding protein 2; plus strand). Cytogenetic location: 19p13.2.
Variant type: Duplication.
Coding change: c.246+52_246+59dup on transcript NM_006949.4 (MANE Select); bases 52 to 59 of the intron after coding-DNA position 246, 8 bases duplicated (CATGTGTG; older notation c.246+52_246+59dupCATGTGTG).
Molecular consequence: intron variant.
Genome position (GRCh38, 1-based): chr19:7,639,859-7,639,866, CATGTGTG duplicated; duplicating any 8 consecutive bases within chr19:7,639,855-7,639,866 gives the same sequence; the c. name uses the placement nearest the transcript's 3' end. VCF-style (leftmost placement, unchanged base first): chr19-7639854-A-ATGTGCATG. GRCh37 (hg19) VCF-style: chr19-7704740-A-ATGTGCATG.
Other names: c.150+52_150+59dup (NM_001414484.1); c.246+52_246+59dup (NM_001272034.2, NM_001127396.3).
Identifiers: ClinVar variation 2628257 (VCV002628257.2), dbSNP rs113656550, ClinGen allele CA9143203.